The following is an entry in ClinVar:

NM_006258.4(PRKG1):c.202T>A (p.Leu68Met)

Gene: PRKG1 (protein kinase cGMP-dependent 1; plus strand). Cytogenetic location: 10q11.23.
Variant type: single nucleotide variant.
Coding change: c.202T>A on transcript NM_006258.4 (MANE Select); coding-DNA position 202, T replaced by A.
Protein change: p.Leu68Met; replaces leucine 68 with methionine.
Molecular consequence: missense variant. On other transcripts: intron variant (1).
Genome position (GRCh38, 1-based): chr10:51,074,792, T>A. VCF-style: chr10-51074792-T-A. GRCh37 (hg19) VCF-style: chr10-52834552-T-A.
Other names: c.202T>A, p.Leu68Met (NM_001374782.1); c.267-78372T>A (NM_001098512.3); c.202T>A (NM_006258.3); short protein forms L68M.
Identifiers: ClinVar variation 1897473 (VCV001897473.6), dbSNP rs1564589622, ClinGen allele CA376827018.

ClinVar aggregate classification (germline): Uncertain significance. Review status: criteria provided, multiple submitters, no conflicts (2 of 4 stars). 2 submissions from 2 submitters: Uncertain significance (2). Last evaluated 2025-08-19.

Conditions:
Aortic aneurysm, familial thoracic 8 (AAT8). Identifiers: MedGen C3809513, MONDO:0014187, OMIM 615436.
Familial thoracic aortic aneurysm and aortic dissection (TAAD). Also called: Thoracic aortic aneurysms and dissections. Identifiers: Orphanet 91387, MedGen C4707243, MONDO:0019625.

Allele frequency attached by ClinVar (database versions not stated): gnomAD 0.00001; TOPMed 0.00001.
gnomAD v4.1: 1 of 1,613,780 alleles (0.000062%); highest among the groups gnomAD compares: Non-Finnish European, 0.000085%; no homozygotes.

Submissions (2):

Ambry Genetics
Classification: Uncertain significance for Familial thoracic aortic aneurysm and aortic dissection. Last evaluated: 2025-08-19. Review status: criteria provided, single submitter. Criteria: Ambry Variant Classification Scheme 2023. Collection method: clinical testing. Allele origin: germline.
Comment: The p.L68M variant (also known as c.202T>A), located in coding exon 1 of the PRKG1 gene, results from a T to A substitution at nucleotide position 202. The leucine at codon 68 is replaced by methionine, an amino acid with highly similar properties. This amino acid position is well conserved in available vertebrate species. In addition, this alteration is predicted to be tolerated by in silico analysis. Based on the available evidence, the clinical significance of this variant remains unclear.

Labcorp Genetics (formerly Invitae), Labcorp
Classification: Uncertain significance for Aortic aneurysm, familial thoracic 8. Last evaluated: 2025-06-27. Review status: criteria provided, single submitter. Criteria: Invitae Variant Classification Sherloc (09022015). Collection method: clinical testing. Allele origin: germline.
Comment: This sequence change replaces leucine, which is neutral and non-polar, with methionine, which is neutral and non-polar, at codon 68 of the PRKG1 protein (p.Leu68Met). This variant is not present in population databases (gnomAD no frequency). This variant has not been reported in the literature in individuals affected with PRKG1-related conditions. ClinVar contains an entry for this variant (Variation ID: 1897473). An algorithm developed to predict the effect of missense changes on protein structure and function (PolyPhen-2) suggests that this variant is likely to be tolerated. In summary, the available evidence is currently insufficient to determine the role of this variant in disease. Therefore, it has been classified as a Variant of Uncertain Significance.